The following is an entry in ClinVar:

ClinVar aggregate classification (germline): Uncertain significance. Review status: criteria provided, multiple submitters, no conflicts (2 of 4 stars). 2 submissions from 2 submitters: Uncertain significance (2). Last evaluated 2022-07-12.

Conditions:
Congenital myasthenic syndrome 8. Also called: MYASTHENIC SYNDROME, CONGENITAL, DUE TO AGRIN DEFICIENCY; Myasthenic syndrome, congenital, 8, with pre- and postsynaptic defects. Identifiers: Orphanet 590, MedGen C3808739, MONDO:0014052, OMIM 615120.
Inborn genetic diseases. Identifiers: MedGen C0950123, MeSH D030342.

Allele frequency attached by ClinVar (database versions not stated): TOPMed 0.00002.
gnomAD v4.1: 44 of 1,607,884 alleles (0.0027%); highest among the groups gnomAD compares: South Asian, 0.0088%; no homozygotes.

Submissions (2):

Labcorp Genetics (formerly Invitae), Labcorp
Classification: Uncertain significance for Congenital myasthenic syndrome 8. Last evaluated: 2022-07-12. Review status: criteria provided, single submitter. Criteria: Invitae Variant Classification Sherloc (09022015). Collection method: clinical testing. Allele origin: germline.
Comment: This sequence change replaces arginine, which is basic and polar, with histidine, which is basic and polar, at codon 1619 of the AGRN protein (p.Arg1619His). This variant is present in population databases (rs753675816, gnomAD 0.003%). This variant has not been reported in the literature in individuals affected with AGRN-related conditions. ClinVar contains an entry for this variant (Variation ID: 565689). Algorithms developed to predict the effect of missense changes on protein structure and function are either unavailable or do not agree on the potential impact of this missense change (SIFT: "Deleterious"; PolyPhen-2: "Possibly Damaging"; Align-GVGD: "Class C0"). In summary, the available evidence is currently insufficient to determine the role of this variant in disease. Therefore, it has been classified as a Variant of Uncertain Significance.

Ambry Genetics
Classification: Uncertain significance for Inborn genetic diseases. Last evaluated: 2022-03-29. Review status: criteria provided, single submitter. Criteria: Ambry Variant Classification Scheme 2023. Collection method: clinical testing. Allele origin: germline.

NM_198576.4(AGRN):c.4856G>A (p.Arg1619His)

Gene: AGRN (agrin; plus strand). Cytogenetic location: 1p36.33.
Variant type: single nucleotide variant.
Coding change: c.4856G>A on transcript NM_198576.4 (MANE Select); coding-DNA position 4856, G replaced by A.
Protein change: p.Arg1619His; replaces arginine 1619 with histidine.
Molecular consequence: missense variant.
Genome position (GRCh38, 1-based): chr1:1,050,014, G>A. VCF-style: chr1-1050014-G-A. GRCh37 (hg19) VCF-style: chr1-985394-G-A.
Other names: c.4856G>A, p.Arg1619His (NM_001305275.2); c.4541G>A, p.Arg1514His (NM_001364727.2); short protein forms R1619H, R1514H.
Identifiers: ClinVar variation 565689 (VCV000565689.8), dbSNP rs753675816, ClinGen allele CA509665.